The following is an entry in ClinVar:

NM_001042492.3(NF1):c.262G>C (p.Asp88His)

Gene: NF1 (neurofibromin 1; plus strand). Cytogenetic location: 17q11.2.
Variant type: single nucleotide variant.
Coding change: c.262G>C on transcript NM_001042492.3 (MANE Select); coding-DNA position 262, G replaced by C.
Protein change: p.Asp88His; replaces aspartic acid 88 with histidine.
Molecular consequence: missense variant.
Genome position (GRCh38, 1-based): chr17:31,159,067, G>C. VCF-style: chr17-31159067-G-C. GRCh37 (hg19) VCF-style: chr17-29486085-G-C.
Other names: c.262G>C, p.Asp88His (NM_000267.4, NM_001128147.3); short protein forms D88H.
Identifiers: ClinVar variation 1044401 (VCV001044401.6), dbSNP rs2065717750, ClinGen allele CA398989736.

ClinVar aggregate classification (germline): Uncertain significance. Review status: criteria provided, multiple submitters, no conflicts (2 of 4 stars). 2 submissions from 2 submitters: Uncertain significance (2). Last evaluated 2025-03-15.

Conditions:
Neurofibromatosis, type 1 (NF1). Also called: VON RECKLINGHAUSEN DISEASE; NEUROFIBROMATOSIS, TYPE I, SOMATIC; Peripheral type neurofibromatosis; Neurofibromatosis, type I. Identifiers: Orphanet 636, MedGen C0027831, MONDO:0018975, OMIM 162200. Disease mechanism: loss of function.
Hereditary cancer-predisposing syndrome. Also called: Hereditary neoplastic syndrome; Neoplastic Syndromes, Hereditary; Tumor predisposition; Hereditary Cancer Syndrome. Identifiers: Orphanet 140162, MedGen C0027672, MeSH D009386, MONDO:0015356.
Cardiovascular phenotype. Identifiers: MedGen CN230736.

Submissions (2):

Ambry Genetics
Classification: Uncertain significance for Cardiovascular phenotype; Hereditary cancer-predisposing syndrome. Last evaluated: 2025-03-15. Review status: criteria provided, single submitter. Criteria: Ambry Variant Classification Scheme 2023. Collection method: clinical testing. Allele origin: germline.
Comment: The p.D88H variant (also known as c.262G>C), located in coding exon 3 of the NF1 gene, results from a G to C substitution at nucleotide position 262. The aspartic acid at codon 88 is replaced by histidine, an amino acid with similar properties. This amino acid position is conserved. In addition, this alteration is predicted to be deleterious by in silico analysis. Based on the available evidence, the clinical significance of this variant remains unclear.

Labcorp Genetics (formerly Invitae), Labcorp
Classification: Uncertain significance for Neurofibromatosis, type 1. Last evaluated: 2023-03-09. Review status: criteria provided, single submitter. Criteria: Invitae Variant Classification Sherloc (09022015). Collection method: clinical testing. Allele origin: germline.
Comment: This variant has not been reported in the literature in individuals affected with NF1-related conditions. This variant is not present in population databases (gnomAD no frequency). This sequence change replaces aspartic acid, which is acidic and polar, with histidine, which is basic and polar, at codon 88 of the NF1 protein (p.Asp88His). ClinVar contains an entry for this variant (Variation ID: 1044401). In summary, the available evidence is currently insufficient to determine the role of this variant in disease. Therefore, it has been classified as a Variant of Uncertain Significance. Algorithms developed to predict the effect of sequence changes on RNA splicing suggest that this variant may disrupt the consensus splice site. Advanced modeling of protein sequence and biophysical properties (such as structural, functional, and spatial information, amino acid conservation, physicochemical variation, residue mobility, and thermodynamic stability) performed at Invitae indicates that this missense variant is expected to disrupt NF1 protein function.